The following is an entry in ClinVar:

NM_001382241.1(TNPO2):c.890+1G>T

Gene: TNPO2 (transportin 2; minus strand). Cytogenetic location: 19p13.13.
Variant type: single nucleotide variant.
Coding change: c.890+1G>T on transcript NM_001382241.1 (MANE Select); the canonical splice donor site of the intron after coding-DNA position 890, G replaced by T.
Molecular consequence: splice donor variant.
Genome position (GRCh38, 1-based): chr19:12,714,820, C>A on the plus strand (G>T on the coding strand, the complement: TNPO2 is on the minus strand). VCF-style: chr19-12714820-C-A. GRCh37 (hg19) VCF-style: chr19-12825634-C-A.
Other names: c.890+1G>T (NM_001382237.1, NM_001382240.1, NM_001382238.1 and 7 more transcripts).
Identifiers: ClinVar variation 3024520 (VCV003024520.2), dbSNP rs2512705295, ClinGen allele CA404247449.
Genomic context (GRCh38, chr19:12,714,820, plus strand): 5'-AGGCAGAGGCATAGCAAGGGGTCGAAGCTGGGGTAGGACAGTGGGCAGCAGCAGCACTCA[C>A]TGGACCAGATGGGAGGCCAGGACTTCCTTGCAGATGGGCTGCTCGGCCAGCGTCAGCCAG-3'

ClinVar aggregate classification (germline): Likely pathogenic (1 of 4 stars; one submission).

Conditions:
Intellectual developmental disorder with hypotonia, impaired speech, and dysmorphic facies (IDDHISD). Identifiers: MedGen C5561997, MONDO:0859197, OMIM 619556.

Submission:

Institute of Human Genetics, University of Leipzig Medical Center
Classification: Likely pathogenic for Intellectual developmental disorder with hypotonia, impaired speech, and dysmorphic facies. Last evaluated: 2024-02-05. Review status: criteria provided, single submitter. Criteria: ACMG Guidelines, 2015. Collection method: clinical testing. Allele origin: unknown. Inheritance: Autosomal dominant inheritance. Affected: yes.
Comment: Criteria applied: PVS1,PM2_SUP